The following is an entry in ClinVar:

NM_002691.4(POLD1):c.1650C>G (p.Gly550=)

Gene: POLD1 (DNA polymerase delta 1, catalytic subunit; plus strand). Cytogenetic location: 19q13.33.
Variant type: single nucleotide variant.
Coding change: c.1650C>G on transcript NM_002691.4 (MANE Select); coding-DNA position 1650, C replaced by G.
Protein change: p.Gly550=; no amino-acid change (glycine 550 retained).
Molecular consequence: synonymous variant. On other transcripts: non-coding transcript variant (1).
Genome position (GRCh38, 1-based): chr19:50,407,138, C>G. VCF-style: chr19-50407138-C-G. GRCh37 (hg19) VCF-style: chr19-50910395-C-G.
Other names: c.1650C>G, p.Gly550= (NM_001256849.1, NM_001308632.1).
Identifiers: ClinVar variation 1667915 (VCV001667915.12), dbSNP rs1347433333, ClinGen allele CA508184074.

ClinVar aggregate classification (germline): Benign/Likely benign. Review status: criteria provided, multiple submitters, no conflicts (2 of 4 stars). 3 submissions from 3 submitters: Benign (1); Likely benign (2). Last evaluated 2025-12-01.

Conditions:
POLD1-related polyposis and colorectal cancer syndrome (CRCS10). Also called: Colorectal cancer 10; COLORECTAL CANCER, SUSCEPTIBILITY TO, ON CHROMOSOME 19q; Colorectal cancer, susceptibility to, 10. Identifiers: Orphanet 220460, MedGen C2675481, MONDO:0012953, OMIM 612591.
Hereditary cancer-predisposing syndrome. Also called: Hereditary Cancer Syndrome; Hereditary neoplastic syndrome; Neoplastic Syndromes, Hereditary; Tumor predisposition. Identifiers: Orphanet 140162, MedGen C0027672, MeSH D009386, MONDO:0015356.

Allele frequency attached by ClinVar (database versions not stated): gnomAD exomes 0.00001.
gnomAD v4.1: 4 of 1,612,696 alleles (0.00025%); highest among the groups gnomAD compares: South Asian, 0.0044%; no homozygotes.

Submissions (3):

Labcorp Genetics (formerly Invitae), Labcorp
Classification: Likely benign for POLD1-related polyposis and colorectal cancer syndrome. Last evaluated: 2025-12-01. Review status: criteria provided, single submitter. Criteria: Invitae Variant Classification Sherloc (09022015). Collection method: clinical testing. Allele origin: germline.

Myriad Genetics, Inc.
Classification: Benign for POLD1-related polyposis and colorectal cancer syndrome. Last evaluated: 2025-02-07. Review status: criteria provided, single submitter. Criteria: Myriad Autosomal Dominant, Autosomal Recessive and X-Linked Classification Criteria (2023). Collection method: clinical testing. Allele origin: unknown.
Comment: This variant is considered benign. This variant is a silent/synonymous amino acid change and it is not expected to impact splicing.

Ambry Genetics
Classification: Likely benign for Hereditary cancer-predisposing syndrome. Last evaluated: 2020-08-24. Review status: criteria provided, single submitter. Criteria: Ambry Variant Classification Scheme 2023. Collection method: clinical testing. Allele origin: germline.